The following is an entry in ClinVar:

ClinVar aggregate classification (germline): Pathogenic (1 of 4 stars; one submission).

Conditions:
DICER1-related tumor predisposition. Also called: DICER1-related pleuropulmonary blastoma cancer predisposition syndrome; DICER1 syndrome. Identifiers: Orphanet 284343, MedGen C3839822, MONDO:0100216.

Submission:

Labcorp Genetics (formerly Invitae), Labcorp
Classification: Pathogenic for DICER1-related tumor predisposition. Last evaluated: 2021-10-31. Review status: criteria provided, single submitter. Criteria: Invitae Variant Classification Sherloc (09022015). Collection method: clinical testing. Allele origin: germline.
Comment: This sequence change creates a premature translational stop signal (p.Val242Glufs*4) in the DICER1 gene. It is expected to result in an absent or disrupted protein product. Loss-of-function variants in DICER1 are known to be pathogenic (PMID: 19556464, 21266384). This variant is not present in population databases (gnomAD no frequency). This variant has not been reported in the literature in individuals affected with DICER1-related conditions. For these reasons, this variant has been classified as Pathogenic.

Literature cited by the submitters: PubMed 19556464; PubMed 21266384.

NM_177438.3(DICER1):c.682_724dup (p.Val242delinsGluAsnSerTer)

Gene: DICER1 (dicer 1, ribonuclease III; minus strand). Cytogenetic location: 14q32.13.
Variant type: Duplication.
Coding change: c.682_724dup on transcript NM_177438.3 (MANE Select); coding-DNA positions 682 to 724, 43 bases duplicated.
Protein change: p.Val242delinsGluAsnSerTer.
Molecular consequence: nonsense.
Genome position (GRCh38, 1-based): chr14:95,129,482-95,129,524, 43 bases duplicated; duplicating any 43 consecutive bases within chr14:95,129,482-95,129,525 gives the same sequence; the c. name uses the placement nearest the transcript's 3' end. GRCh37 (hg19): chr14:95,595,820-95,595,862.
Other names: c.682_724dup, p.Val242delinsGluAsnSerTer (NM_001195573.1, NM_001271282.3, NM_001291628.2 and 1 more transcripts).
Identifiers: ClinVar variation 1369112 (VCV001369112.7), dbSNP rs2140259715, ClinGen allele CA2573150314.